The following is an entry in ClinVar:

ClinVar aggregate classification (germline): Uncertain significance (1 of 4 stars; one submission).

Submission:

GeneDx
Classification: Uncertain significance. Last evaluated: 2024-07-01. Review status: criteria provided, single submitter. Criteria: GeneDx Variant Classification Process June 2021. Collection method: clinical testing. Allele origin: germline. Affected: yes.
Comment: Not observed at significant frequency in large population cohorts (gnomAD); In-frame deletion of 1 amino acid in a non-repeat region; In silico analysis supports a deleterious effect on protein structure/function; Has not been previously published as pathogenic or benign to our knowledge

NM_001395002.1(MAP4K4):c.1306_1308del (p.Arg437del)

Gene: MAP4K4 (mitogen-activated protein kinase kinase kinase kinase 4; plus strand). Cytogenetic location: 2q11.2.
Variant type: Deletion.
Coding change: c.1306_1308del on transcript NM_001395002.1 (MANE Select); coding-DNA positions 1306 to 1308, 3 bases deleted (AGG; older notation c.1306_1308delAGG).
Protein change: p.Arg437del; deletes arginine 437.
Molecular consequence: non-coding transcript variant (on NR_169279.1).
Genome position (GRCh38, 1-based): chr2:101,856,049-101,856,051, AGG deleted; deleting any 3 consecutive bases within chr2:101,856,048-101,856,051 gives the same sequence; the c. name uses the placement nearest the transcript's 3' end. VCF-style (leftmost placement, unchanged base first): chr2-101856047-AGAG-A. GRCh37 (hg19) VCF-style: chr2-102472509-AGAG-A.
Other names: c.1306_1308del, p.Arg437del (NM_001242559.2, NM_001242560.2, NM_001384476.1 and 28 more transcripts); c.1279_1281del, p.Arg428del (NM_001384549.1, NM_001384550.1, NM_001384551.1 and 16 more transcripts); short protein forms R437del, R428del.
Identifiers: ClinVar variation 3393625 (VCV003393625.1).